The following is an entry in ClinVar:

NM_016292.3(TRAP1):c.472-6C>T

Gene: TRAP1 (TNF receptor associated protein 1; minus strand). Cytogenetic location: 16p13.3.
Variant type: single nucleotide variant.
Coding change: c.472-6C>T on transcript NM_016292.3 (MANE Select); 6 bases into the intron before coding-DNA position 472, C replaced by T.
Molecular consequence: intron variant.
Genome position (GRCh38, 1-based): chr16:3,679,796, G>A on the plus strand (C>T on the coding strand, the complement: TRAP1 is on the minus strand). VCF-style: chr16-3679796-G-A. GRCh37 (hg19) VCF-style: chr16-3729797-G-A.
Other names: c.313-6C>T (NM_001272049.2).
Identifiers: ClinVar variation 3058013 (VCV003058013.3), dbSNP rs759452840, ClinGen allele CA7868653.
Genomic context (GRCh38, chr16:3,679,796, plus strand): 5'-CAATCGTCCCCAGGTTGGACACCAGCTCTTCCTGTGTCATCCCGATACCAGTATCCTGAG[G>A]AGAGAGACGCACTAAGTGCCAAGCCCCCAGCACCTGGGGAGCCGGGTGAGTGCACCAGCA-3'

ClinVar aggregate classification (germline): Likely benign. Review status: criteria provided, single submitter (1 of 4 stars). 2 submissions from 2 submitters: Likely benign (1). 1 of the submissions does not count toward it. Last evaluated 2025-10-03.

Conditions:
TRAP1-related disorder. Also called: TRAP1-related condition.

Allele frequency attached by ClinVar (database versions not stated): gnomAD 0.00005; ExAC 0.00008.
gnomAD v4.1: 73 of 1,613,966 alleles (0.0045%); highest among the groups gnomAD compares: South Asian, 0.041%; no homozygotes.

Submissions (2):

Labcorp Genetics (formerly Invitae), Labcorp
Classification: Likely benign. Last evaluated: 2025-10-03. Review status: criteria provided, single submitter. Criteria: Invitae Variant Classification Sherloc (09022015). Collection method: clinical testing. Allele origin: germline.

PreventionGenetics, part of Exact Sciences
Classification: Likely benign for TRAP1-related condition. Last evaluated: 2019-02-21. Review status: no assertion criteria provided. Collection method: clinical testing. Allele origin: germline. Not counted in ClinVar's aggregate classification.
Comment: This variant is classified as likely benign based on ACMG/AMP sequence variant interpretation guidelines (Richards et al. 2015 PMID: 25741868, with internal and published modifications).